The following is an entry in ClinVar:

NM_080680.3(COL11A2):c.1665+5C>T

Gene: COL11A2 (collagen type XI alpha 2 chain; minus strand). Cytogenetic location: 6p21.32.
Variant type: single nucleotide variant.
Coding change: c.1665+5C>T on transcript NM_080680.3 (MANE Select); 5 bases into the intron after coding-DNA position 1665, C replaced by T.
Molecular consequence: intron variant.
Genome position (GRCh38, 1-based): chr6:33,178,915, G>A on the plus strand (C>T on the coding strand, the complement: COL11A2 is on the minus strand). VCF-style: chr6-33178915-G-A. GRCh37 (hg19) VCF-style: chr6-33146692-G-A.
Other names: c.1344+5C>T (NM_080679.3); c.1407+5C>T (NM_080681.3).
Identifiers: ClinVar variation 2115001 (VCV002115001.4), dbSNP rs1303264637, ClinGen allele CA566430205.

ClinVar aggregate classification (germline): Uncertain significance (1 of 4 stars; one submission).

Submission:

Labcorp Genetics (formerly Invitae), Labcorp
Classification: Uncertain significance. Last evaluated: 2025-02-24. Review status: criteria provided, single submitter. Criteria: Invitae Variant Classification Sherloc (09022015). Collection method: clinical testing. Allele origin: germline.
Comment: This sequence change falls in intron 17 of the COL11A2 gene. It does not directly change the encoded amino acid sequence of the COL11A2 protein. It affects a nucleotide within the consensus splice site. This variant is present in population databases (no rsID available, gnomAD 0.003%). This variant has not been reported in the literature in individuals affected with COL11A2-related conditions. ClinVar contains an entry for this variant (Variation ID: 2115001). Variants that disrupt the consensus splice site are a relatively common cause of aberrant splicing (PMID: 17576681, 9536098). Algorithms developed to predict the effect of sequence changes on RNA splicing suggest that this variant is not likely to affect RNA splicing. In summary, the available evidence is currently insufficient to determine the role of this variant in disease. Therefore, it has been classified as a Variant of Uncertain Significance.

Literature cited by the submitters: PubMed 17576681; PubMed 9536098.